The following is an entry in ClinVar:

NM_000352.6(ABCC8):c.4120-19C>T

Gene: ABCC8 (ATP binding cassette subfamily C member 8; minus strand). Cytogenetic location: 11p15.1.
Variant type: single nucleotide variant.
Coding change: c.4120-19C>T on transcript NM_000352.6 (MANE Select); 19 bases into the intron before coding-DNA position 4120, C replaced by T.
Molecular consequence: intron variant.
Genome position (GRCh38, 1-based): chr11:17,395,949, G>A on the plus strand (C>T on the coding strand, the complement: ABCC8 is on the minus strand). VCF-style: chr11-17395949-G-A. GRCh37 (hg19) VCF-style: chr11-17417496-G-A.
Other names: c.4117-19C>T (NM_001351297.2); c.4120-19C>T (NM_001351296.2); c.4186-19C>T (NM_001351295.2); c.4123-19C>T (NM_001287174.3).
Identifiers: ClinVar variation 35612 (VCV000035612.46), dbSNP rs1800853, ClinGen allele CA171080.

ClinVar aggregate classification (germline): Conflicting classifications of pathogenicity. Review status: criteria provided, conflicting classifications (1 of 4 stars). 14 submissions from 11 submitters: Uncertain significance (1); Benign (10); Likely benign (1). 2 of the submissions do not count toward it. Last evaluated 2026-09-01.

Conditions:
Hereditary hyperinsulinism.
Diabetes mellitus, permanent neonatal 3. Also called: ABCC8-Related Permanent Neonatal Diabetes Mellitus. Identifiers: MedGen C5394303, MONDO:0030088, OMIM 618857.
Hyperinsulinemic hypoglycemia, familial, 1 (HHF1). Also called: Persistent Hyperinsulinemia Hypoglycemia of Infancy; Persistent hyperinsulinemic hypoglycemia of infancy; HYPERINSULINISM, FAMILIAL, WITH PANCREATIC NESIDIOBLASTOSIS; HYPOGLYCEMIA, HYPERINSULINEMIC, OF INFANCY; NESIDIOBLASTOSIS OF PANCREAS. Identifiers: Orphanet 276575, Orphanet 276598, MedGen C2931832, MONDO:0009734, OMIM 256450.
Leucine-induced hypoglycemia (LIH). Also called: LEUCINE-SENSITIVE HYPOGLYCEMIA OF INFANCY. Identifiers: MedGen C0271714, MONDO:0009415, OMIM 240800.
Diabetes mellitus, transient neonatal, 2 (TNDM2). Identifiers: Orphanet 99886, MedGen C1835887, MONDO:0012480, OMIM 610374. Disease mechanism: loss of function.
Hyperinsulinemia. Also called: Hyperinsulinism. Identifiers: MedGen C0020459, MONDO:0002177, HP:0000842.

Allele frequency attached by ClinVar (database versions not stated): TOPMed 0.01732; gnomAD exomes 0.01775 and 0.00667; gnomAD 0.01325 and 0.01401; 1000 Genomes Project 0.03235; ESP Exome Variant Server 0.01077; 1000 Genomes Project 30x 0.03107.
gnomAD v4.1: 11,827 of 1,561,592 alleles (0.76%); highest among the groups gnomAD compares: Admixed American, 4.3%; 192 homozygotes.

Submissions (14):

CeGaT Center for Human Genetics Tuebingen
Classification: Benign. Last evaluated: 2026-09-01. Review status: criteria provided, single submitter. Criteria: CeGaT Center For Human Genetics Tuebingen Variant Classification Criteria Version 2. Collection method: clinical testing. Allele origin: germline. Affected: yes. Observed: 12 variant alleles.
Comment: ABCC8: BS1, BS2

Labcorp Genetics (formerly Invitae), Labcorp
Classification: Benign. Last evaluated: 2026-02-04. Review status: criteria provided, single submitter. Criteria: Invitae Variant Classification Sherloc (09022015). Collection method: clinical testing. Allele origin: germline.

ARUP Laboratories, Molecular Genetics and Genomics, ARUP Laboratories
Classification: Benign. Last evaluated: 2025-05-26. Review status: criteria provided, single submitter. Criteria: ARUP Molecular Germline Variant Investigation Process 2024. Collection method: clinical testing. Allele origin: germline.

Blueprint Genetics
Classification: Likely benign. Last evaluated: 2024-11-27. Review status: criteria provided, single submitter. Criteria: ACMG Guidelines, 2015. Collection method: clinical testing. Allele origin: germline.

Pars Genome Lab
Classification: Benign for Leucine-induced hypoglycemia. Last evaluated: 2021-07-01. Review status: criteria provided, single submitter. Criteria: ACMG Guidelines, 2015. Collection method: clinical testing. Allele origin: germline. Affected: no.

Pars Genome Lab
Classification: Benign for Hyperinsulinemic hypoglycemia, familial, 1. Last evaluated: 2021-07-01. Review status: criteria provided, single submitter. Criteria: ACMG Guidelines, 2015. Collection method: clinical testing. Allele origin: germline. Affected: no.

Pars Genome Lab
Classification: Benign for Diabetes mellitus, transient neonatal, 2. Last evaluated: 2021-07-01. Review status: criteria provided, single submitter. Criteria: ACMG Guidelines, 2015. Collection method: clinical testing. Allele origin: germline. Affected: no.

Pars Genome Lab
Classification: Benign for Diabetes mellitus, permanent neonatal 3. Last evaluated: 2021-07-01. Review status: criteria provided, single submitter. Criteria: ACMG Guidelines, 2015. Collection method: clinical testing. Allele origin: germline. Affected: no.

GeneDx
Classification: Benign. Last evaluated: 2018-10-24. Review status: criteria provided, single submitter. Criteria: GeneDx Variant Classification Process June 2021. Collection method: clinical testing. Allele origin: germline. Affected: yes.
Comment: This variant is associated with the following publications: (PMID: 16429405, 33410562, 27884173)

Women's Health and Genetics/Laboratory Corporation of America, LabCorp
Classification: Benign. Last evaluated: 2016-05-16. Review status: criteria provided, single submitter. Criteria: LabCorp Variant Classification Summary - May 2015. Collection method: clinical testing. Allele origin: germline.
Comment: Variant summary: The ABCC8 c.4120-19C>T variant involves the alteration of a non-conserved intronic nucleotide. One in silico tool predicts a benign outcome for this variant. This variant was found in 604/26462 control chromosomes (11 homozygotes) at a frequency of 0.0228252, which greatly exceeds the estimated maximal expected allele frequency of a pathogenic ABCC8 variant (2.1e-8), suggesting this variant is a benign polymorphism. In addition, one clinical diagnostic laboratory classified this variant as benign. Taken together and based on the prevalence in general population this variant is classified as Benign.

Clinical Genomics, Uppaluri K&H Personalized Medicine Clinic
Classification: Uncertain significance for Hyperinsulinemia. Review status: criteria provided, single submitter. Criteria: K&H Uppaluri Personalized Medicine Clinic Variant Classification & Assertion Criteria. Collection method: research. Allele origin: somatic. Inheritance: Autosomal dominant inheritance.
Comment: Mutations in ABCC8 gene are associated with both neonatal diabetes mellitus as well as MODY. Patients with this mutation may have a response to sulfonylureas. Although rs1800853 is prevalent in hyperinsulinemic hypoglycemia in infancy, sufficient evidence is not seen to demonstrate the association of this variant with neonatal diabetes or MODY.

PreventionGenetics, part of Exact Sciences
Classification: Benign. Review status: criteria provided, single submitter. Criteria: ACMG Guidelines, 2015. Collection method: clinical testing. Allele origin: germline.

Natera, Inc.
Classification: Benign for Hereditary hyperinsulinism. Last evaluated: 2020-09-16. Review status: no assertion criteria provided. Collection method: clinical testing. Allele origin: germline. Not counted in ClinVar's aggregate classification.

Genetic Services Laboratory, University of Chicago
Classification: Likely benign. Review status: no assertion criteria provided. Collection method: clinical testing. Allele origin: germline. Inheritance: Autosomal unknown. Not counted in ClinVar's aggregate classification.
Comment: Likely benign based on allele frequency in 1000 Genomes Project or ESP global frequency and its presence in a patient with a rare or unrelated disease phenotype. NOT Sanger confirmed

Literature cited by the submitters: PubMed 16429405 (cited by Women's Health and Genetics/Laboratory Corporation of America, LabCorp); PubMed 34777243 (cited by Clinical Genomics, Uppaluri K&H Personalized Medicine Clinic).